The following is an entry in ClinVar:

ClinVar aggregate classification (germline): Uncertain significance. Review status: criteria provided, multiple submitters, no conflicts (2 of 4 stars). 2 submissions from 2 submitters: Uncertain significance (2). Last evaluated 2025-01-27.

Conditions:
TRRAP-related neurodevelopmental disorder.

Allele frequency attached by ClinVar (database versions not stated): gnomAD 0.00001 and 0.00002; gnomAD exomes below 0.00001 and 0.00001; TOPMed 0.00002.
gnomAD v4.1: 12 of 1,612,992 alleles (0.00074%); highest among the groups gnomAD compares: East Asian, 0.0022%; no homozygotes.

Submissions (2):

Labcorp Genetics (formerly Invitae), Labcorp
Classification: Uncertain significance. Last evaluated: 2025-01-27. Review status: criteria provided, single submitter. Criteria: Invitae Variant Classification Sherloc (09022015). Collection method: clinical testing. Allele origin: germline.
Comment: This sequence change replaces arginine, which is basic and polar, with glutamine, which is neutral and polar, at codon 447 of the TRRAP protein (p.Arg447Gln). The frequency data for this variant in the population databases is considered unreliable, as metrics indicate poor data quality at this position in the gnomAD database. This variant has not been reported in the literature in individuals affected with TRRAP-related conditions. ClinVar contains an entry for this variant (Variation ID: 989345). Invitae Evidence Modeling of protein sequence and biophysical properties (such as structural, functional, and spatial information, amino acid conservation, physicochemical variation, residue mobility, and thermodynamic stability) indicates that this missense variant is not expected to disrupt TRRAP protein function with a negative predictive value of 80%. In summary, the available evidence is currently insufficient to determine the role of this variant in disease. Therefore, it has been classified as a Variant of Uncertain Significance.

Illumina Laboratory Services, Illumina
Classification: Uncertain significance for TRRAP-related neurodevelopmental disorder. Last evaluated: 2020-06-11. Review status: criteria provided, single submitter. Criteria: ICSLVariantClassificationCriteria RUGD 01 April 2020. Collection method: clinical testing. Allele origin: unknown.
Comment: The TRRAP c.1340G>A (p.Arg447Gln) variant is a missense variant. A literature search was performed for the gene, cDNA change, and amino acid change. No publications were found based on this search. This variant is reported at a frequency of 0.000011 in the Total population of the Genome Aggregation Database. Based on the limited evidence, the p.Arg447Gln variant is classified as a variant of uncertain significance for TRRAP-related neurodevelopmental disorder.

NM_001375524.1(TRRAP):c.1340G>A (p.Arg447Gln)

Gene: TRRAP (transformation/transcription domain associated protein; plus strand). Cytogenetic location: 7q22.1.
Variant type: single nucleotide variant.
Coding change: c.1340G>A on transcript NM_001375524.1 (MANE Select); coding-DNA position 1340, G replaced by A.
Protein change: p.Arg447Gln; replaces arginine 447 with glutamine.
Molecular consequence: missense variant.
Genome position (GRCh38, 1-based): chr7:98,908,952, G>A. VCF-style: chr7-98908952-G-A. GRCh37 (hg19) VCF-style: chr7-98506575-G-A.
Other names: c.1340G>A, p.Arg447Gln (NM_001244580.2, NM_003496.4); short protein forms R447Q.
Identifiers: ClinVar variation 989345 (VCV000989345.7), dbSNP rs1475196953, ClinGen allele CA368285831.